The following is an entry in ClinVar:

ClinVar aggregate classification (germline): Uncertain significance (1 of 4 stars; one submission).

Conditions:
Emery-Dreifuss muscular dystrophy 4, autosomal dominant (EDMD4). Also called: EMERY-DREIFUSS MUSCULAR DYSTROPHY 4 WITH VARIABLE FEATURES. Identifiers: Orphanet 261, MedGen C2751807, MONDO:0013071, OMIM 612998.
Autosomal recessive ataxia, Beauce type. Also called: SYNE1 Deficiency; Spinocerebellar ataxia, autosomal recessive 8; ATAXIA, RECESSIVE, OF BEAUCE; SYNE1-Related Autosomal Recessive Cerebellar Ataxia. Identifiers: Orphanet 88644, MedGen C1853116, MONDO:0012549, OMIM 610743.

Allele frequency attached by ClinVar (database versions not stated): gnomAD 0.00001; TOPMed below 0.00001.
gnomAD v4.1: 5 of 1,614,056 alleles (0.00031%); highest among the groups gnomAD compares: Admixed American, 0.0067%; no homozygotes.

Submission:

Labcorp Genetics (formerly Invitae), Labcorp
Classification: Uncertain significance for Emery-Dreifuss muscular dystrophy 4, autosomal dominant; Autosomal recessive ataxia, Beauce type. Last evaluated: 2024-01-15. Review status: criteria provided, single submitter. Criteria: Invitae Variant Classification Sherloc (09022015). Collection method: clinical testing. Allele origin: germline.
Comment: This sequence change replaces glutamic acid, which is acidic and polar, with aspartic acid, which is acidic and polar, at codon 8414 of the SYNE1 protein (p.Glu8414Asp). This variant is present in population databases (no rsID available, gnomAD 0.006%). This variant has not been reported in the literature in individuals affected with SYNE1-related conditions. ClinVar contains an entry for this variant (Variation ID: 2039462). Algorithms developed to predict the effect of missense changes on protein structure and function output the following: SIFT: "Not Available"; PolyPhen-2: "Benign"; Align-GVGD: "Not Available". The aspartic acid amino acid residue is found in multiple mammalian species, which suggests that this missense change does not adversely affect protein function. In summary, the available evidence is currently insufficient to determine the role of this variant in disease. Therefore, it has been classified as a Variant of Uncertain Significance.

NM_182961.4(SYNE1):c.25386G>C (p.Glu8462Asp)

Gene: SYNE1 (spectrin repeat containing nuclear envelope protein 1; minus strand). Cytogenetic location: 6q25.2.
Variant type: single nucleotide variant.
Coding change: c.25386G>C on transcript NM_182961.4 (MANE Select); coding-DNA position 25386, G replaced by C.
Protein change: p.Glu8462Asp; replaces glutamic acid 8462 with aspartic acid.
Molecular consequence: missense variant.
Genome position (GRCh38, 1-based): chr6:152,140,022, C>G on the plus strand (G>C on the coding strand, the complement: SYNE1 is on the minus strand). VCF-style: chr6-152140022-C-G. GRCh37 (hg19) VCF-style: chr6-152461157-C-G.
Other names: c.1992G>C, p.Glu664Asp (NM_001347701.2); c.1920G>C, p.Glu640Asp (NM_001347702.2); c.25242G>C, p.Glu8414Asp (NM_033071.5); short protein forms E8462D, E8414D, E640D, E664D.
Identifiers: ClinVar variation 2039462 (VCV002039462.3), dbSNP rs1197665133, ClinGen allele CA366080199.